The following is an entry in ClinVar:

ClinVar aggregate classification (germline): Uncertain significance. Review status: criteria provided, multiple submitters, no conflicts (2 of 4 stars). 3 submissions from 3 submitters: Uncertain significance (3). Last evaluated 2024-01-16.

Conditions:
Spastic paraplegia. Identifiers: MedGen C0037772, HP:0001258.
Inborn genetic diseases. Identifiers: MedGen C0950123, MeSH D030342.

Allele frequency attached by ClinVar (database versions not stated): gnomAD 0.00001; gnomAD exomes 0.00002 and 0.00006; ExAC 0.00003; TOPMed 0.00004.
gnomAD v4.1: 29 of 1,614,152 alleles (0.0018%); highest among the groups gnomAD compares: East Asian, 0.056%; no homozygotes.

Submissions (3):

Ambry Genetics
Classification: Uncertain significance for Inborn genetic diseases. Last evaluated: 2024-01-16. Review status: criteria provided, single submitter. Criteria: Ambry Variant Classification Scheme 2023. Collection method: clinical testing. Allele origin: germline.

GeneDx
Classification: Uncertain significance. Last evaluated: 2022-03-01. Review status: criteria provided, single submitter. Criteria: GeneDx Variant Classification Process June 2021. Collection method: clinical testing. Allele origin: germline. Affected: yes.
Comment: In silico analysis supports that this missense variant does not alter protein structure/function; Has not been previously published as pathogenic or benign to our knowledge

Labcorp Genetics (formerly Invitae), Labcorp
Classification: Uncertain significance for Spastic paraplegia. Last evaluated: 2022-02-24. Review status: criteria provided, single submitter. Criteria: Invitae Variant Classification Sherloc (09022015). Collection method: clinical testing. Allele origin: germline.
Comment: This sequence change replaces tryptophan, which is neutral and slightly polar, with arginine, which is basic and polar, at codon 410 of the ZFYVE26 protein (p.Trp410Arg). This variant is present in population databases (rs774078953, gnomAD 0.08%). This variant has not been reported in the literature in individuals affected with ZFYVE26-related conditions. ClinVar contains an entry for this variant (Variation ID: 964862). Algorithms developed to predict the effect of missense changes on protein structure and function are either unavailable or do not agree on the potential impact of this missense change (SIFT: "Deleterious"; PolyPhen-2: "Benign"; Align-GVGD: "Class C0"). Algorithms developed to predict the effect of sequence changes on RNA splicing suggest that this variant may create or strengthen a splice site. In summary, the available evidence is currently insufficient to determine the role of this variant in disease. Therefore, it has been classified as a Variant of Uncertain Significance.

NM_015346.4(ZFYVE26):c.1228T>C (p.Trp410Arg)

Gene: ZFYVE26 (zinc finger FYVE-type containing 26; minus strand). Cytogenetic location: 14q24.1.
Variant type: single nucleotide variant.
Coding change: c.1228T>C on transcript NM_015346.4 (MANE Select); coding-DNA position 1228, T replaced by C.
Protein change: p.Trp410Arg; replaces tryptophan 410 with arginine.
Molecular consequence: missense variant.
Genome position (GRCh38, 1-based): chr14:67,805,260, A>G on the plus strand (T>C on the coding strand, the complement: ZFYVE26 is on the minus strand). VCF-style: chr14-67805260-A-G. GRCh37 (hg19) VCF-style: chr14-68271977-A-G.
Other names: short protein forms W410R.
Identifiers: ClinVar variation 964862 (VCV000964862.5), dbSNP rs774078953, ClinGen allele CA7240582.